The following is an entry in ClinVar:

NM_000443.4(ABCB4):c.1777A>G (p.Thr593Ala)

Gene: ABCB4 (ATP binding cassette subfamily B member 4; minus strand). Cytogenetic location: 7q21.12.
Variant type: single nucleotide variant.
Coding change: c.1777A>G on transcript NM_000443.4 (MANE Select); coding-DNA position 1777, A replaced by G.
Protein change: p.Thr593Ala; replaces threonine 593 with alanine.
Molecular consequence: missense variant.
Genome position (GRCh38, 1-based): chr7:87,431,520, T>C on the plus strand (A>G on the coding strand, the complement: ABCB4 is on the minus strand). VCF-style: chr7-87431520-T-C. GRCh37 (hg19) VCF-style: chr7-87060836-T-C.
Other names: c.1777A>G, p.Thr593Ala (NM_018849.3, NM_018850.3); short protein forms T593A.
Identifiers: ClinVar variation 3374820 (VCV003374820.2).
Genomic context (GRCh38, chr7:87,431,520, plus strand): 5'-TTCCTTGCTCCACAATTACTCCATCCTCAAACCCAGCGATGACATCTGCATTTCGGACCG[T>C]AGACAGTCGGTGTGCTATCACAATGGTGGTCCGGCCTTCTCTGGCCTAAAAGAACAAAAA-3'
Protein context (NP_000434.1, residues 583-603): TTIVIAHRLS[Thr593Ala]VRNADVIAGF

ClinVar aggregate classification (germline): Uncertain significance. Review status: criteria provided, multiple submitters, no conflicts (2 of 4 stars). 2 submissions from 2 submitters: Uncertain significance (2). Last evaluated 2026-04-14.

Conditions:
Familial intrahepatic cholestasis. Identifiers: Orphanet 284385, MedGen CN296401, MONDO:0017290.

gnomAD v4.1: 3 of 1,614,110 alleles (0.00019%); highest among the groups gnomAD compares: Non-Finnish European, 0.00025%; no homozygotes.

Submissions (2):

Genomenon, Inc
Classification: Uncertain significance for Familial intrahepatic cholestasis. Last evaluated: 2026-04-14. Review status: criteria provided, single submitter. Criteria: Genomenon Sequence Variant Interpretation Standards - Updated. Collection method: curation. Allele origin: germline. Affected: yes.
Comment: ABCB4 p.Thr593Ala (c.1777A>G) is a missense variant that changes the amino acid at residue 593 from Threonine to Alanine. This variant has been observed in at least one proband with an ABCB4-related disorder (PMID:21119540). It is absent or not present at a significant frequency in gnomAD. In silico models predict that this variant is possibly or probably damaging. In conclusion, we classify ABCB4 p.Thr593Ala (c.1777A>G) as a variant of uncertain significance.

Women's Health and Genetics/Laboratory Corporation of America, LabCorp
Classification: Uncertain significance. Last evaluated: 2024-09-13. Review status: criteria provided, single submitter. Criteria: LabCorp Variant Classification Summary - May 2015. Collection method: clinical testing. Allele origin: germline.
Comment: Variant summary: ABCB4 c.1777A>G (p.Thr593Ala) results in a non-conservative amino acid change located in the ABC transporter-like, ATP-binding domain of the encoded protein sequence. Four of five in-silico tools predict a damaging effect of the variant on protein function. The variant was absent in 251116 control chromosomes. The available data on variant occurrences in the general population are insufficient to allow any conclusion about variant significance. c.1777A>G has been reported in the literature in an individual affected with Familial Intrahepatic Cholestasis (Degiorgio_2007). This report does not provide unequivocal conclusions about association of the variant with Familial Intrahepatic Cholestasis. To our knowledge, no experimental evidence demonstrating an impact on protein function has been reported. The following publication have been ascertained in the context of this evaluation (PMID: 17726488). No submitters have cited clinical-significance assessments for this variant to ClinVar. Based on the evidence outlined above, the variant was classified as uncertain significance.

Literature cited by the submitters: PubMed 21119540 (cited by Genomenon, Inc); PubMed 17726488 (cited by Women's Health and Genetics/Laboratory Corporation of America, LabCorp).